The following is an entry in ClinVar:

NM_001256545.2(MEGF10):c.-122G>A

Genes: MEGF10 (multiple EGF like domains 10; plus strand), MEGF10-DT (MEGF10 divergent transcript; minus strand). Cytogenetic location: 5q23.2.
Variant type: single nucleotide variant.
Coding change: c.-122G>A on transcript NM_001256545.2 (MANE Select); 122 bases upstream of the start codon, G replaced by A.
Molecular consequence: 5 prime UTR variant.
Genome position (GRCh38, 1-based): chr5:127,290,953, G>A. VCF-style: chr5-127290953-G-A. GRCh37 (hg19) VCF-style: chr5-126626645-G-A.
Other names: c.-173G>A (NM_001308119.2, NM_032446.3); c.-122G>A (NM_001308121.2).
Identifiers: ClinVar variation 350631 (VCV000350631.6), dbSNP rs2032834, ClinGen allele CA10618910.
Genomic context (GRCh38, chr5:127,290,953, plus strand): 5'-CTCCACCTTTACGCCTGAAAGAAGACTCCCAAAGATTGCTTTCTTCTGGGACGCTGCTTG[G>A]ACGCTAACCGCGTTGATTGGAACAGATTTTGTGTCTTGGCTGGCTTTGGGTGAAGACCGG-3'

ClinVar aggregate classification (germline): Benign. Review status: criteria provided, multiple submitters, no conflicts (2 of 4 stars). 2 submissions from 2 submitters: Benign (2). Last evaluated 2018-07-03.

Conditions:
MEGF10-related myopathy (CMYO10A). Also called: Congenital myopathy 10A, severe variant. Identifiers: Orphanet 439212, MedGen C3280679, MONDO:0013731, OMIM 614399.

Allele frequency attached by ClinVar (database versions not stated): 1000 Genomes Project 30x 0.33604; 1000 Genomes Project 0.34065; TOPMed 0.38152; gnomAD 0.38323 and 0.38334; gnomAD exomes 0.50000.
gnomAD v4.1: 58,609 of 152,188 alleles (39%); highest among the groups gnomAD compares: Middle Eastern, 53%; 11,823 homozygotes.

Submissions (2):

GeneDx
Classification: Benign. Last evaluated: 2018-07-03. Review status: criteria provided, single submitter. Criteria: GeneDx Variant Classification Process June 2021. Collection method: clinical testing. Allele origin: germline. Affected: yes.

Illumina Laboratory Services, Illumina
Classification: Benign for MEGF10-related myopathy. Last evaluated: 2018-01-13. Review status: criteria provided, single submitter. Criteria: ICSL Variant Classification Criteria 13 December 2019. Collection method: clinical testing. Allele origin: germline.
Comment: This variant was observed in the ICSL laboratory as part of a predisposition screen in an ostensibly healthy population. It had not been previously curated by ICSL or reported in the Human Gene Mutation Database (HGMD: prior to June 1st, 2018), and was therefore a candidate for classification through an automated scoring system. Utilizing variant allele frequency, disease prevalence and penetrance estimates, and inheritance mode, an automated score was calculated to assess if this variant is too frequent to cause the disease. Based on the score and internal cut-off values, a variant classified as benign is not then subjected to further curation. The score for this variant resulted in a classification of benign for this disease.